The following is an entry in ClinVar:

ClinVar aggregate classification (germline): Conflicting classifications of pathogenicity. Review status: criteria provided, conflicting classifications (1 of 4 stars). 2 submissions from 2 submitters: Uncertain significance (1); Likely benign (1). Last evaluated 2023-03-23.

Conditions:
Hereditary cancer-predisposing syndrome. Also called: Hereditary Cancer Syndrome; Tumor predisposition; Hereditary neoplastic syndrome; Neoplastic Syndromes, Hereditary. Identifiers: Orphanet 140162, MedGen C0027672, MeSH D009386, MONDO:0015356.
Hereditary breast ovarian cancer syndrome. Also called: Hereditary breast and ovarian cancer syndrome (HBOC); Breast and ovarian cancer; Hereditary breast and ovarian cancer syndrome; Hereditary breast and/or ovarian cancer syndrome; BRCA1- and BRCA2-Associated Hereditary Breast and Ovarian Cancer; Hereditary breast and ovarian cancer. Identifiers: Orphanet 145, MedGen C0677776, MeSH D061325, MONDO:0003582. Disease mechanism: loss of function.

Submissions (2):

University of Washington Department of Laboratory Medicine, University of Washington
Classification: Likely benign for Hereditary cancer-predisposing syndrome. Last evaluated: 2023-03-23. Review status: criteria provided, single submitter. Criteria: Dines et al. (Genet Med. 2020). Collection method: curation. Allele origin: germline.
Comment: Missense variant in a coldspot region where missense variants are very unlikely to be pathogenic (PMID:31911673).

BRCA2 exon 11 coldspot. Reclassification based on statistical prior probability.

Labcorp Genetics (formerly Invitae), Labcorp
Classification: Uncertain significance for Hereditary breast ovarian cancer syndrome. Last evaluated: 2022-07-19. Review status: criteria provided, single submitter. Criteria: Invitae Variant Classification Sherloc (09022015). Collection method: clinical testing. Allele origin: germline.
Comment: This variant has not been reported in the literature in individuals affected with BRCA2-related conditions. In summary, the available evidence is currently insufficient to determine the role of this variant in disease. Therefore, it has been classified as a Variant of Uncertain Significance. Advanced modeling of protein sequence and biophysical properties (such as structural, functional, and spatial information, amino acid conservation, physicochemical variation, residue mobility, and thermodynamic stability) performed at Invitae indicates that this missense variant is not expected to disrupt BRCA2 protein function. ClinVar contains an entry for this variant (Variation ID: 1414292). This variant is not present in population databases (gnomAD no frequency). This sequence change replaces isoleucine, which is neutral and non-polar, with phenylalanine, which is neutral and non-polar, at codon 1585 of the BRCA2 protein (p.Ile1585Phe).

NM_000059.4(BRCA2):c.4753A>T (p.Ile1585Phe)

Gene: BRCA2 (BRCA2 DNA repair associated; plus strand). Cytogenetic location: 13q13.1.
Variant type: single nucleotide variant.
Coding change: c.4753A>T on transcript NM_000059.4 (MANE Select); coding-DNA position 4753, A replaced by T.
Protein change: p.Ile1585Phe; replaces isoleucine 1585 with phenylalanine.
Molecular consequence: missense variant.
Genome position (GRCh38, 1-based): chr13:32,339,108, A>T. VCF-style: chr13-32339108-A-T. GRCh37 (hg19) VCF-style: chr13-32913245-A-T.
Other names: short protein forms I1585F.
Identifiers: ClinVar variation 1414292 (VCV001414292.7), dbSNP rs2137509864, ClinGen allele CA387783096.